The following is an entry in ClinVar:

ClinVar aggregate classification (germline): Uncertain significance. Review status: criteria provided, multiple submitters, no conflicts (2 of 4 stars). 3 submissions from 3 submitters: Uncertain significance (3). Last evaluated 2025-08-31.

Conditions:
Inborn genetic diseases. Identifiers: MedGen C0950123, MeSH D030342.
Joubert syndrome. Also called: CEREBELLOPARENCHYMAL DISORDER IV; JOUBERT-BOLTSHAUSER SYNDROME; Familial aplasia of the vermis. Identifiers: Orphanet 475, MedGen C5979921, MONDO:0018772.
Nephronophthisis. Also called: Juvenile Nephronophthisis. Identifiers: Orphanet 655, MedGen C0687120, MONDO:0019005, HP:0000090.
Meckel-Gruber syndrome. Also called: DYSENCEPHALIA SPLANCHNOCYSTICA; GRUBER SYNDROME; Dysencephalia splachnocystica. Identifiers: Orphanet 564, MedGen C0265215, MONDO:0018921.

Allele frequency attached by ClinVar (database versions not stated): gnomAD exomes below 0.00001; gnomAD 0.00001; TOPMed 0.00003.
gnomAD v4.1: 4 of 1,613,836 alleles (0.00025%); highest among the groups gnomAD compares: Admixed American, 0.0033%; no homozygotes.

Submissions (3):

Ambry Genetics
Classification: Uncertain significance for Inborn genetic diseases. Last evaluated: 2025-08-31. Review status: criteria provided, single submitter. Criteria: Ambry Variant Classification Scheme 2023. Collection method: clinical testing. Allele origin: germline.

GeneDx
Classification: Uncertain significance. Last evaluated: 2024-11-15. Review status: criteria provided, single submitter. Criteria: GeneDx Variant Classification Process June 2021. Collection method: clinical testing. Allele origin: germline. Affected: yes.
Comment: Not observed at significant frequency in large population cohorts (gnomAD); In silico analysis indicates that this missense variant does not alter protein structure/function; Has not been previously published as pathogenic or benign to our knowledge

Labcorp Genetics (formerly Invitae), Labcorp
Classification: Uncertain significance for Joubert syndrome; Meckel-Gruber syndrome; Nephronophthisis. Last evaluated: 2022-06-28. Review status: criteria provided, single submitter. Criteria: Invitae Variant Classification Sherloc (09022015). Collection method: clinical testing. Allele origin: germline.
Comment: This sequence change replaces lysine, which is basic and polar, with arginine, which is basic and polar, at codon 1241 of the CEP290 protein (p.Lys1241Arg). This variant is not present in population databases (gnomAD no frequency). This variant has not been reported in the literature in individuals affected with CEP290-related conditions. Algorithms developed to predict the effect of missense changes on protein structure and function are either unavailable or do not agree on the potential impact of this missense change (SIFT: "Tolerated"; PolyPhen-2: "Probably Damaging"; Align-GVGD: "Class C0"). In summary, the available evidence is currently insufficient to determine the role of this variant in disease. Therefore, it has been classified as a Variant of Uncertain Significance.

NM_025114.4(CEP290):c.3722A>G (p.Lys1241Arg)

Gene: CEP290 (centrosomal protein 290; minus strand). Cytogenetic location: 12q21.32.
Variant type: single nucleotide variant.
Coding change: c.3722A>G on transcript NM_025114.4 (MANE Select); coding-DNA position 3722, A replaced by G.
Protein change: p.Lys1241Arg; replaces lysine 1241 with arginine.
Molecular consequence: missense variant.
Genome position (GRCh38, 1-based): chr12:88,089,339, T>C on the plus strand (A>G on the coding strand, the complement: CEP290 is on the minus strand). VCF-style: chr12-88089339-T-C. GRCh37 (hg19) VCF-style: chr12-88483116-T-C.
Other names: c.3722A>G (NM_025114.3); short protein forms K1241R.
Identifiers: ClinVar variation 2152938 (VCV002152938.3), dbSNP rs892089815, ClinGen allele CA241164562.